The following is an entry in ClinVar:

ClinVar aggregate classification (germline): Uncertain significance. Review status: criteria provided, multiple submitters, no conflicts (2 of 4 stars). 2 submissions from 2 submitters: Uncertain significance (2). Last evaluated 2021-12-28.

Conditions:
Autosomal dominant nocturnal frontal lobe epilepsy 5. Also called: Epilepsy, nocturnal frontal lobe, 5; KCNT1-Related Epilepsy; CILIARY DYSKINESIA, PRIMARY, 28, WITHOUT SITUS INVERSUS; CILIARY DYSKINESIA, PRIMARY, 28, WITH SITUS INVERSUS. Identifiers: Orphanet 98784, MedGen C3554306, MONDO:0014002, OMIM 615005.
Developmental and epileptic encephalopathy, 14 (DEE14). Also called: Early infantile epileptic encephalopathy 14. Identifiers: Orphanet 293181, MedGen C3554195, MONDO:0013989, OMIM 614959.

Submissions (2):

Athena Diagnostics
Classification: Uncertain significance. Last evaluated: 2021-12-28. Review status: criteria provided, single submitter. Criteria: Athena Diagnostics Criteria. Collection method: clinical testing. Allele origin: unknown.

Labcorp Genetics (formerly Invitae), Labcorp
Classification: Uncertain significance for Autosomal dominant nocturnal frontal lobe epilepsy 5; Developmental and epileptic encephalopathy, 14. Last evaluated: 2017-09-15. Review status: criteria provided, single submitter. Criteria: Invitae Variant Classification Sherloc (09022015). Collection method: clinical testing. Allele origin: germline.
Comment: In summary, the available evidence is currently insufficient to determine the role of this variant in disease. Therefore, it has been classified as a Variant of Uncertain Significance. This variant, c.82_84delGAG, results in the deletion of 1 amino acid(s) of the KCNT1 protein (p.Glu28del), but otherwise preserves the integrity of the reading frame. This variant is not present in population databases (ExAC no frequency). This variant has not been reported in the literature in individuals with KCNT1-related disease. Experimental studies and prediction algorithms are not available for this variant, and the functional significance of the disrupted amino acids is currently unknown.

NM_020822.3(KCNT1):c.82_85delinsC (p.Glu28_Phe29delinsLeu)

Gene: KCNT1 (potassium sodium-activated channel subfamily T member 1; plus strand). Cytogenetic location: 9q34.3.
Variant type: Indel.
Coding change: c.82_85delinsC on transcript NM_020822.3 (MANE Select); coding-DNA positions 82 to 85, GAGT replaced by C.
Protein change: p.Glu28_Phe29delinsLeu.
Molecular consequence: inframe indel.
Genome position (GRCh38, 1-based): chr9:135,702,340-135,702,343, GAGT replaced by C. VCF-style: chr9-135702340-GAGT-C. GRCh37 (hg19) VCF-style: chr9-138594186-GAGT-C.
Other names: c.82_85delinsC, p.Glu28_Phe29delinsLeu (NM_001272003.2).
Identifiers: ClinVar variation 540574 (VCV000540574.6), dbSNP rs1554760875, ClinGen allele CA658797347.
Genomic context (GRCh38, chr9:135,702,340, plus strand): 5'-CGGACCCCGGGGGGCGTCTGCCGGGAGGCGCGCGGCGGGGGCTACACCAACCGGACCTTC[GAGT>C]TTGACGACGGCCAATGCGCCCCCAGGTACAGTCTGCTGCGCCCTCCCCACGCGGGGAGGC-3'